The following is an entry in ClinVar:

NM_002769.5(PRSS1):c.228C>A (p.His76Gln)

Genes: PRSS1 (serine protease 1; plus strand), TRB (T cell receptor beta locus; plus strand). Cytogenetic location: 7q34.
Variant type: single nucleotide variant.
Coding change: c.228C>A on transcript NM_002769.5 (MANE Select); coding-DNA position 228, C replaced by A.
Protein change: p.His76Gln; replaces histidine 76 with glutamine.
Molecular consequence: missense variant. On other transcripts: non-coding transcript variant (2).
Genome position (GRCh38, 1-based): chr7:142,751,801, C>A. VCF-style: chr7-142751801-C-A. GRCh37 (hg19) VCF-style: chr7-142459652-C-A.
Other names: short protein forms H76Q.
Identifiers: ClinVar variation 1789067 (VCV001789067.2), dbSNP rs1254878660, ClinGen allele CA369608424.
Genomic context (GRCh38, chr7:142,751,801, plus strand): 5'-GAAGGTCTTCACCATGCCTGCCCTGCCCATCAGCCGCATCCAGGTGAGACTGGGAGAGCA[C>A]AACATCGAAGTCCTGGAGGGGAATGAGCAGTTCATCAATGCAGCCAAGATCATCCGCCAC-3'
Protein context (NP_002760.1, residues 66-86): KSRIQVRLGE[His76Gln]NIEVLEGNEQ

ClinVar aggregate classification (germline): Uncertain significance (1 of 4 stars; one submission).

Conditions:
Hereditary pancreatitis (PCTT). Also called: PRSS1-Related Hereditary Pancreatitis; Hereditary chronic pancreatitis. Identifiers: Orphanet 676, MedGen C0238339, MONDO:0008185, OMIM 167800.

Submission:

Ambry Genetics
Classification: Uncertain significance for Hereditary pancreatitis. Last evaluated: 2022-05-15. Review status: criteria provided, single submitter. Criteria: Ambry Variant Classification Scheme 2023. Collection method: clinical testing. Allele origin: germline.
Comment: The p.H76Q variant (also known as c.228C>A), located in coding exon 3 of the PRSS1 gene, results from a C to A substitution at nucleotide position 228. The histidine at codon 76 is replaced by glutamine, an amino acid with highly similar properties. This amino acid position is conserved. In addition, the in silico prediction for this alteration is inconclusive. Since supporting evidence is limited at this time, the clinical significance of this alteration remains unclear.